The following is an entry in ClinVar:

NM_000552.5(VWF):c.5524C>T (p.Pro1842Ser)

Gene: VWF (von Willebrand factor; minus strand). Cytogenetic location: 12p13.31.
Variant type: single nucleotide variant.
Coding change: c.5524C>T on transcript NM_000552.5 (MANE Select); coding-DNA position 5524, C replaced by T.
Protein change: p.Pro1842Ser; replaces proline 1842 with serine.
Molecular consequence: missense variant.
Genome position (GRCh38, 1-based): chr12:6,013,577, G>A on the plus strand (C>T on the coding strand, the complement: VWF is on the minus strand). VCF-style: chr12-6013577-G-A. GRCh37 (hg19) VCF-style: chr12-6122743-G-A.
Other names: short protein forms P1842S.
Identifiers: ClinVar variation 3572176 (VCV003572176.1).

ClinVar aggregate classification (germline): Uncertain significance (1 of 4 stars; one submission).

Submission:

Quest Diagnostics Nichols Institute San Juan Capistrano
Classification: Uncertain significance. Last evaluated: 2024-02-14. Review status: criteria provided, single submitter. Criteria: Quest Diagnostics criteria. Collection method: clinical testing. Allele origin: unknown.
Comment: The VWF c.5524C>T (p.Pro1842Ser) variant has not been reported in individuals with VWF-related conditions in the published literature. It also has not been reported in large, multi-ethnic general populations (Genome Aggregation Database). Analysis of this variant using bioinformatics tools for the prediction of the effect of amino acid changes on protein structure and function yielded predictions that this variant is benign. Based on the available information, we are unable to determine the clinical significance of this variant.